The following is an entry in ClinVar:

NM_016284.5(CNOT1):c.5162A>G (p.Tyr1721Cys)

Gene: CNOT1 (CCR4-NOT transcription complex subunit 1; minus strand). Cytogenetic location: 16q21.
Variant type: single nucleotide variant.
Coding change: c.5162A>G on transcript NM_016284.5 (MANE Select); coding-DNA position 5162, A replaced by G.
Protein change: p.Tyr1721Cys; replaces tyrosine 1721 with cysteine.
Molecular consequence: missense variant. On other transcripts: non-coding transcript variant (1).
Genome position (GRCh38, 1-based): chr16:58,538,240, T>C on the plus strand (A>G on the coding strand, the complement: CNOT1 is on the minus strand). VCF-style: chr16-58538240-T-C. GRCh37 (hg19) VCF-style: chr16-58572144-T-C.
Other names: c.5147A>G, p.Tyr1716Cys (NM_001265612.2); short protein forms Y1716C, Y1721C.
Identifiers: ClinVar variation 1312281 (VCV001312281.3), dbSNP rs2151911770, ClinGen allele CA396166202.
Genomic context (GRCh38, chr16:58,538,240, plus strand): 5'-TGCTGCATATTAACCAAATGATTGCGAATTAGCAGCTCCACAGCCTCCACATTATATTTA[T>C]ATTCATCTCGACATTCAATTAGGCACCTAGAAAAAGTTCAATATCTTTACTCATATAGGC-3'
Protein context (NP_057368.3, residues 1711-1731): TRCLIECRDE[Tyr1721Cys]KYNVEAVELL

ClinVar aggregate classification (germline): Uncertain significance (1 of 4 stars; one submission).

Submission:

GeneDx
Classification: Uncertain significance. Last evaluated: 2026-02-07. Review status: criteria provided, single submitter. Criteria: GeneDx Variant Classification Process June 2021. Collection method: clinical testing. Allele origin: germline. Affected: yes.
Comment: Has not been previously published as pathogenic or benign to our knowledge; Not observed at significant frequency in large population cohorts (gnomAD); In silico analysis supports that this missense variant has a deleterious effect on protein structure/function